The following is an entry in ClinVar:

NM_001903.5(CTNNA1):c.811C>T (p.Gln271Ter)

Gene: CTNNA1 (catenin alpha 1; plus strand). Cytogenetic location: 5q31.2.
Variant type: single nucleotide variant.
Coding change: c.811C>T on transcript NM_001903.5 (MANE Select); coding-DNA position 811, C replaced by T.
Protein change: p.Gln271Ter; replaces glutamine 271 with a stop codon.
Molecular consequence: nonsense.
Genome position (GRCh38, 1-based): chr5:138,824,752, C>T. VCF-style: chr5-138824752-C-T. GRCh37 (hg19) VCF-style: chr5-138160441-C-T.
Other names: c.811C>T, p.Gln271Ter (NM_001290307.3, NM_001323982.2, NM_001323983.1 and 3 more transcripts); c.502C>T, p.Gln168Ter (NM_001290309.3); c.442C>T, p.Gln148Ter (NM_001290310.3); short protein forms Q148*, Q168*, Q271*.
Identifiers: ClinVar variation 5034996 (VCV005034996.1).

ClinVar aggregate classification (germline): Pathogenic (1 of 4 stars; one submission).

Conditions:
Hereditary cancer-predisposing syndrome. Also called: Hereditary Cancer Syndrome; Neoplastic Syndromes, Hereditary; Tumor predisposition; Hereditary neoplastic syndrome. Identifiers: Orphanet 140162, MedGen C0027672, MeSH D009386, MONDO:0015356.

Submission:

Ambry Genetics
Classification: Pathogenic for Hereditary cancer-predisposing syndrome. Last evaluated: 2026-07-08. Review status: criteria provided, single submitter. Criteria: Ambry Variant Classification Scheme 2023. Collection method: clinical testing. Allele origin: germline.
Comment: The p.Q271* pathogenic mutation (also known as c.811C>T), located in coding exon 5 of the CTNNA1 gene, results from a C to T substitution at nucleotide position 811. This changes the amino acid from a glutamine to a stop codon within coding exon 5. This variant is considered to be rare based on population cohorts in the Genome Aggregation Database (gnomAD). This alteration is expected to result in loss of function by premature protein truncation or nonsense-mediated mRNA decay. As such, this alteration is interpreted as a disease-causing mutation.